The following is an entry in ClinVar:

ClinVar aggregate classification (germline): Uncertain significance. Review status: criteria provided, multiple submitters, no conflicts (2 of 4 stars). 4 submissions from 4 submitters: Uncertain significance (4). Last evaluated 2026-08-25.

Conditions:
ALPK3-related disorder. Also called: ALPK3-related condition.
Cardiomyopathy, familial hypertrophic 27. Identifiers: MedGen C4748014, MONDO:0054838, OMIM 618052.
Cardiovascular phenotype. Identifiers: MedGen CN230736.

Allele frequency attached by ClinVar (database versions not stated): 1000 Genomes Project 30x 0.00031; 1000 Genomes Project 0.00060.
gnomAD v4.1: 110 of 1,563,094 alleles (0.007%); highest among the groups gnomAD compares: Non-Finnish European, 0.0081%; no homozygotes.

Submissions (4):

PreventionGenetics, part of Exact Sciences
Classification: Uncertain significance for ALPK3-related condition. Last evaluated: 2026-08-25. Review status: criteria provided, single submitter. Criteria: ACMG Guidelines, 2015. Collection method: clinical testing. Allele origin: germline.
Comment: The ALPK3 c.4187G>A variant is predicted to result in the amino acid substitution p.Arg1396Gln. This variant has been reported in an individual with hypertrophic cardiomyopathy who also carried a pathogenic frameshift variant in MYBPC3 (Supplementary Table IV, Patient P018; Herkert et al. 2020. PubMed ID: 32480058). This variant is reported in 0.015% of alleles in individuals of European (Non-Finnish) descent in gnomAD. At this time, the clinical significance of this variant is uncertain due to the absence of conclusive functional and genetic evidence.

Labcorp Genetics (formerly Invitae), Labcorp
Classification: Uncertain significance. Last evaluated: 2025-12-31. Review status: criteria provided, single submitter. Criteria: Invitae Variant Classification Sherloc (09022015). Collection method: clinical testing. Allele origin: germline.
Comment: This sequence change replaces arginine, which is basic and polar, with glutamine, which is neutral and polar, at codon 1396 of the ALPK3 protein (p.Arg1396Gln). This variant is present in population databases (rs543260061, gnomAD 0.02%). This variant has not been reported in the literature in individuals affected with ALPK3-related conditions. ClinVar contains an entry for this variant (Variation ID: 1408826). Invitae Evidence Modeling of protein sequence and biophysical properties (such as structural, functional, and spatial information, amino acid conservation, physicochemical variation, residue mobility, and thermodynamic stability) indicates that this missense variant is expected to disrupt ALPK3 protein function with a positive predictive value of 80%. In summary, the available evidence is currently insufficient to determine the role of this variant in disease. Therefore, it has been classified as a Variant of Uncertain Significance.

Ambry Genetics
Classification: Uncertain significance for Cardiovascular phenotype. Last evaluated: 2024-04-24. Review status: criteria provided, single submitter. Criteria: Ambry Variant Classification Scheme 2023. Collection method: clinical testing. Allele origin: germline.
Comment: The p.R1396Q variant (also known as c.4187G>A), located in coding exon 6 of the ALPK3 gene, results from a G to A substitution at nucleotide position 4187. The arginine at codon 1396 is replaced by glutamine, an amino acid with highly similar properties. This alteration has been reported in a cardiomyopathy cohort; however, clinical details were limited (Herkert JC et al. Am Heart J, 2020 07;225:108-119). This amino acid position is not well conserved in available vertebrate species. In addition, this alteration is predicted to be tolerated by in silico analysis. Since supporting evidence is limited at this time, the clinical significance of this alteration remains unclear.

ARUP Laboratories, Molecular Genetics and Genomics, ARUP Laboratories
Classification: Uncertain significance for Cardiomyopathy, familial hypertrophic 27. Last evaluated: 2022-01-18. Review status: criteria provided, single submitter. Criteria: ARUP Molecular Germline Variant Investigation Process 2021. Collection method: clinical testing. Allele origin: germline.
Comment: The ALPK3 c.3581G>A, p.Arg1194Gln variant (rs543260061) has reported in the literature in an individual with a clinical diagnosis of hypertrophic cardiomyopathy (HCM; Herkert 2020); however the individual in question also carried a Dutch founder variant in MYBPC3 associated with HCM in multiple studies (Christiaans 2010). The ALPK3 p.Arg1194Gln variant is found in the general population with an overall allele frequency of 0.009% (17/196938 alleles, including in the Genome Aggregation Database). The arginine at codon 1194 is weakly conserved, but computational analyses are uncertain whether this variant is neutral or deleterious (REVEL: 0.197). Due to limited information, the clinical significance of this variant is uncertain at this time. References: Christiaans et al. Founder mutations in hypertrophic cardiomyopathy patients in the Netherlands. Neth Heart J. 2010 May;18(5):248-54. PMID: 20505798 Herkert et al. Expanding the clinical and genetic spectrum of ALPK3 variants: Phenotypes identified in pediatric cardiomyopathy patients and adults with heterozygous variants. Am Heart J. 2020 Jul;225:108-119PMID: 32480058.

Literature cited by the submitters: PubMed 32480058 (cited by Ambry Genetics).

NM_020778.5(ALPK3):c.3581G>A (p.Arg1194Gln)

Gene: ALPK3 (alpha kinase 3; plus strand). Cytogenetic location: 15q25.3.
Variant type: single nucleotide variant.
Coding change: c.3581G>A on transcript NM_020778.5 (MANE Select); coding-DNA position 3581, G replaced by A.
Protein change: p.Arg1194Gln; replaces arginine 1194 with glutamine.
Molecular consequence: missense variant.
Genome position (GRCh38, 1-based): chr15:84,858,319, G>A. VCF-style: chr15-84858319-G-A. GRCh37 (hg19) VCF-style: chr15-85401550-G-A.
Other names: short protein forms R1194Q.
Identifiers: ClinVar variation 1408826 (VCV001408826.15), dbSNP rs543260061, ClinGen allele CA7709668.